The following is an entry in ClinVar:

ClinVar aggregate classification (germline): Likely benign (1 of 4 stars; one submission).

Allele frequency attached by ClinVar (database versions not stated): gnomAD exomes below 0.00001 and 0.00001; gnomAD 0.00001; TOPMed 0.00001; 1000 Genomes Project 30x 0.00016; 1000 Genomes Project 0.00020.

Submission:

GeneDx
Classification: Likely benign. Last evaluated: 2017-09-14. Review status: criteria provided, single submitter. Criteria: GeneDx Variant Classification (06012015). Collection method: clinical testing. Allele origin: germline. Affected: yes.
Comment: This variant is considered likely benign or benign based on one or more of the following criteria: it is a conservative change, it occurs at a poorly conserved position in the protein, it is predicted to be benign by multiple in silico algorithms, and/or has population frequency not consistent with disease.

NM_005051.3(QARS1):c.789+3G>A

Gene: QARS1 (glutaminyl-tRNA synthetase 1; minus strand). Cytogenetic location: 3p21.31.
Variant type: single nucleotide variant.
Coding change: c.789+3G>A on transcript NM_005051.3 (MANE Select); 3 bases into the intron after coding-DNA position 789, G replaced by A.
Molecular consequence: intron variant.
Genome position (GRCh38, 1-based): chr3:49,101,617, C>T on the plus strand (G>A on the coding strand, the complement: QARS1 is on the minus strand). VCF-style: chr3-49101617-C-T. GRCh37 (hg19) VCF-style: chr3-49139050-C-T.
Other names: c.756+3G>A (NM_001272073.2).
Identifiers: ClinVar variation 512007 (VCV000512007.1), dbSNP rs536602071, ClinGen allele CA74476268.